The following is an entry in ClinVar:

NM_014000.3(VCL):c.1660C>G (p.Gln554Glu)

Gene: VCL (vinculin; plus strand). Cytogenetic location: 10q22.2.
Variant type: single nucleotide variant.
Coding change: c.1660C>G on transcript NM_014000.3 (MANE Select); coding-DNA position 1660, C replaced by G.
Protein change: p.Gln554Glu; replaces glutamine 554 with glutamic acid.
Molecular consequence: missense variant.
Genome position (GRCh38, 1-based): chr10:74,095,772, C>G. VCF-style: chr10-74095772-C-G. GRCh37 (hg19) VCF-style: chr10-75855530-C-G.
Other names: c.1660C>G, p.Gln554Glu (NM_003373.4); short protein forms Q554E.
Identifiers: ClinVar variation 3020929 (VCV003020929.3), dbSNP rs2549226462, ClinGen allele CA377274907.

ClinVar aggregate classification (germline): Uncertain significance (1 of 4 stars; one submission).

Conditions:
Dilated cardiomyopathy 1W (CMD1W). Identifiers: Orphanet 154, MedGen C1969639, MONDO:0012667, OMIM 611407.

Submission:

Labcorp Genetics (formerly Invitae), Labcorp
Classification: Uncertain significance for Dilated cardiomyopathy 1W. Last evaluated: 2023-07-14. Review status: criteria provided, single submitter. Criteria: Invitae Variant Classification Sherloc (09022015). Collection method: clinical testing. Allele origin: germline.
Comment: This variant is not present in population databases (gnomAD no frequency). In summary, the available evidence is currently insufficient to determine the role of this variant in disease. Therefore, it has been classified as a Variant of Uncertain Significance. An algorithm developed to predict the effect of missense changes on protein structure and function (PolyPhen-2) suggests that this variant is likely to be tolerated. This variant has not been reported in the literature in individuals affected with VCL-related conditions. This sequence change replaces glutamine, which is neutral and polar, with glutamic acid, which is acidic and polar, at codon 554 of the VCL protein (p.Gln554Glu).